The following is an entry in ClinVar:

ClinVar aggregate classification (germline): Uncertain significance. Review status: criteria provided, multiple submitters, no conflicts (2 of 4 stars). 3 submissions from 3 submitters: Uncertain significance (3). Last evaluated 2024-11-03.

Conditions:
Inborn genetic diseases. Identifiers: MedGen C0950123, MeSH D030342.
Charcot-Marie-Tooth disease type 4A. Also called: Charcot-Marie-Tooth disease, demyelinating, autosomal recessive, type 4a. Identifiers: Orphanet 99948, MedGen C1859198, MONDO:0008961, OMIM 214400.
GDAP1-related disorder. Also called: GDAP1-related disorders; GDAP1-related condition.

Allele frequency attached by ClinVar (database versions not stated): ExAC 0.00003.
gnomAD v4.1: 9 of 1,614,106 alleles (0.00056%); highest among the groups gnomAD compares: Admixed American, 0.015%; no homozygotes.

Submissions (3):

PreventionGenetics, part of Exact Sciences
Classification: Uncertain significance for GDAP1-related condition. Last evaluated: 2024-11-03. Review status: criteria provided, single submitter. Criteria: ACMG Guidelines, 2015. Collection method: clinical testing. Allele origin: germline.
Comment: The GDAP1 c.874G>C variant is predicted to result in the amino acid substitution p.Val292Leu. To our knowledge, this variant has not been reported in the literature. This variant is reported in 0.023% of alleles in individuals of Latino descent in gnomAD. At this time, the clinical significance of this variant is uncertain due to the absence of conclusive functional and genetic evidence.

Labcorp Genetics (formerly Invitae), Labcorp
Classification: Uncertain significance for Charcot-Marie-Tooth disease type 4A. Last evaluated: 2024-04-16. Review status: criteria provided, single submitter. Criteria: Invitae Variant Classification Sherloc (09022015). Collection method: clinical testing. Allele origin: germline.
Comment: This sequence change replaces valine, which is neutral and non-polar, with leucine, which is neutral and non-polar, at codon 292 of the GDAP1 protein (p.Val292Leu). This variant is present in population databases (rs767553697, gnomAD 0.02%). This variant has not been reported in the literature in individuals affected with GDAP1-related conditions. ClinVar contains an entry for this variant (Variation ID: 1385433). An algorithm developed to predict the effect of missense changes on protein structure and function (PolyPhen-2) suggests that this variant is likely to be disruptive. In summary, the available evidence is currently insufficient to determine the role of this variant in disease. Therefore, it has been classified as a Variant of Uncertain Significance.

Ambry Genetics
Classification: Uncertain significance for Inborn genetic diseases. Last evaluated: 2023-07-25. Review status: criteria provided, single submitter. Criteria: Ambry Variant Classification Scheme 2023. Collection method: clinical testing. Allele origin: germline.

NM_018972.4(GDAP1):c.874G>C (p.Val292Leu)

Gene: GDAP1 (ganglioside induced differentiation associated protein 1; plus strand). Cytogenetic location: 8q21.11.
Variant type: single nucleotide variant.
Coding change: c.874G>C on transcript NM_018972.4 (MANE Select); coding-DNA position 874, G replaced by C.
Protein change: p.Val292Leu; replaces valine 292 with leucine.
Molecular consequence: missense variant. On other transcripts: intron variant (1).
Genome position (GRCh38, 1-based): chr8:74,364,164, G>C. VCF-style: chr8-74364164-G-C. GRCh37 (hg19) VCF-style: chr8-75276399-G-C.
Other names: c.670G>C, p.Val224Leu (NM_001040875.4); c.547G>C, p.Val183Leu (NM_001362929.2, NM_001362932.2); c.700G>C, p.Val234Leu (NM_001362930.2); c.694+1111G>C (NM_001362931.2); c.874G>C (NM_018972.2); short protein forms V224L, V292L, V183L, V234L.
Identifiers: ClinVar variation 1385433 (VCV001385433.10), dbSNP rs767553697, ClinGen allele CA4785210.
Genomic context (GRCh38, chr8:74,364,164, plus strand): 5'-AAGCGACCAAACTTGGAAACCTATTACGAGCGTGTCTTGAAGAGAAAAACATTTAACAAG[G>C]TTTTAGGACATGTCAACAATATATTAATCTCTGCAGTGCTGCCAACAGCATTCCGGGTGG-3'
Protein context (NP_061845.2, residues 282-302): RVLKRKTFNK[Val292Leu]LGHVNNILIS